The following is an entry in ClinVar:

ClinVar aggregate classification (germline): Benign. Review status: criteria provided, multiple submitters, no conflicts (2 of 4 stars). 3 submissions from 3 submitters: Benign (3). Last evaluated 2024-07-31.

Allele frequency attached by ClinVar (database versions not stated): ESP Exome Variant Server 0.47153; 1000 Genomes Project 30x 0.55184; 1000 Genomes Project 0.55571; TOPMed 0.57531; gnomAD 0.57991 and 0.58254; gnomAD exomes 0.58849.
gnomAD v4.1: 902,806 of 1,535,608 alleles (59%); highest among the groups gnomAD compares: East Asian, 66%; 266,482 homozygotes.

Submissions (3):

Unidad de Genómica Garrahan, Hospital de Pediatría Garrahan
Classification: Benign. Last evaluated: 2024-07-31. Review status: criteria provided, single submitter. Criteria: ACMG Guidelines, 2015. Collection method: clinical testing. Allele origin: germline. Affected: no. Observed: 78 variant alleles.
Comment: This variant is classified as Benign based on local population frequency. This variant was detected in 84% of patients studied in a panel designed for Epileptic and Developmental Encephalopathy, Progressive Myoclonus Epilepsy and Abnormal Movements and Neurodegeneration with brain iron accumulation. Number of patients: 78. Only high quality variants are reported.

GeneDx
Classification: Benign. Last evaluated: 2018-06-14. Review status: criteria provided, single submitter. Criteria: GeneDx Variant Classification (06012015). Collection method: clinical testing. Allele origin: germline. Affected: yes.
Comment: This variant is considered likely benign or benign based on one or more of the following criteria: it is a conservative change, it occurs at a poorly conserved position in the protein, it is predicted to be benign by multiple in silico algorithms, and/or has population frequency not consistent with disease.

Breakthrough Genomics
Classification: Benign. Review status: criteria provided, single submitter. Criteria: ACMG Guidelines, 2015. Collection method: not provided. Allele origin: germline. Inheritance: Autosomal recessive inheritance. Affected: yes.

NM_004369.4(COL6A3):c.6753+53C>T

Gene: COL6A3 (collagen type VI alpha 3 chain; minus strand). Cytogenetic location: 2q37.3.
Variant type: single nucleotide variant.
Coding change: c.6753+53C>T on transcript NM_004369.4 (MANE Select); 53 bases into the intron after coding-DNA position 6753, C replaced by T.
Molecular consequence: intron variant.
Genome position (GRCh38, 1-based): chr2:237,352,469, G>A on the plus strand (C>T on the coding strand, the complement: COL6A3 is on the minus strand). VCF-style: chr2-237352469-G-A. GRCh37 (hg19) VCF-style: chr2-238261112-G-A.
Other names: c.4932+53C>T (NM_057166.5); c.6135+53C>T (NM_057167.4).
Identifiers: ClinVar variation 679235 (VCV000679235.4), dbSNP rs4663726, ClinGen allele CA11142078.
Genomic context (GRCh38, chr2:237,352,469, plus strand): 5'-AGAGCTAAAGGGAGGTCTGTCTACAATAGCATCATCCGAGAAACTCTCTCAGCCTGCTTG[G>A]CAATGTGCCCTCTGTTCAGCTAGAGAGGGGGCTGGTATTAGGACAGGCTTACCCGAGGTC-3'